The following is an entry in ClinVar:

ClinVar aggregate classification (germline): Conflicting classifications of pathogenicity. Review status: criteria provided, conflicting classifications (1 of 4 stars). 4 submissions from 4 submitters: Uncertain significance (3); Likely benign (1). Last evaluated 2026-05-26.

Conditions:
Epidermolysis bullosa simplex 3, localized or generalized intermediate, with BP230 deficiency (EBS3). Also called: Epidermolysis bullosa simplex, autosomal recessive 2; Epidermolysis bullosa simplex due to BP230 deficiency. Identifiers: Orphanet 412181, MedGen C3809470, MONDO:0014180, OMIM 615425.
Hereditary sensory and autonomic neuropathy type 6. Also called: HSAN VI; Neuropathy, hereditary sensory and autonomic, type VI. Identifiers: Orphanet 314381, MedGen C3539003, MONDO:0013839, OMIM 614653.
DST-related disorder. Also called: DST-related condition; DST-related disorders.
Inborn genetic diseases. Identifiers: MedGen C0950123, MeSH D030342.

Allele frequency attached by ClinVar (database versions not stated): gnomAD exomes 0.00013 and 0.00022; ExAC 0.00014; 1000 Genomes Project 30x 0.00016; ESP Exome Variant Server 0.00017; 1000 Genomes Project 0.00020; gnomAD 0.00029 and 0.00030; TOPMed 0.00031.
gnomAD v4.1: 232 of 1,611,058 alleles (0.014%); highest among the groups gnomAD compares: Admixed American, 0.13%; 1 homozygote.

Submissions (4):

PreventionGenetics, part of Exact Sciences
Classification: Uncertain significance for DST-related condition. Last evaluated: 2026-05-26. Review status: criteria provided, single submitter. Criteria: ACMG Guidelines, 2015. Collection method: clinical testing. Allele origin: germline.
Comment: The DST c.9089C>T variant is predicted to result in the amino acid substitution p.Thr3030Ile. To our knowledge, this variant has not been reported in the literature. This variant is reported in 0.11% of alleles in individuals of Latino descent in gnomAD. At this time, the clinical significance of this variant is uncertain due to the absence of conclusive functional and genetic evidence.

Blueprint Genetics
Classification: Uncertain significance. Last evaluated: 2024-09-12. Review status: criteria provided, single submitter. Criteria: ACMG Guidelines, 2015. Collection method: clinical testing. Allele origin: germline.

Ambry Genetics
Classification: Likely benign for Inborn genetic diseases. Last evaluated: 2024-02-26. Review status: criteria provided, single submitter. Criteria: Ambry Variant Classification Scheme 2023. Collection method: clinical testing. Allele origin: germline.

Labcorp Genetics (formerly Invitae), Labcorp
Classification: Uncertain significance for Epidermolysis bullosa simplex 3, localized or generalized intermediate, with BP230 deficiency; Hereditary sensory and autonomic neuropathy type 6. Last evaluated: 2022-10-18. Review status: criteria provided, single submitter. Criteria: Invitae Variant Classification Sherloc (09022015). Collection method: clinical testing. Allele origin: germline.
Comment: The DST gene has multiple clinically relevant transcripts. This variant occurs in alternate transcript NM_015548.4, and corresponds to NM_001723.5:c.*62171C>T in the primary transcript. This sequence change replaces threonine, which is neutral and polar, with isoleucine, which is neutral and non-polar, at codon 2526 of the DST protein (p.Thr2526Ile). This variant is present in population databases (rs369194519, gnomAD 0.1%). This variant has not been reported in the literature in individuals affected with DST-related conditions. ClinVar contains an entry for this variant (Variation ID: 969806) Experimental studies and prediction algorithms are not available or were not evaluated, and the functional significance of this variant is currently unknown. In summary, the available evidence is currently insufficient to determine the role of this variant in disease. Therefore, it has been classified as a Variant of Uncertain Significance.

NM_001374736.1(DST):c.15446C>T (p.Thr5149Ile)

Gene: DST (dystonin; minus strand). Cytogenetic location: 6p12.1.
Variant type: single nucleotide variant.
Coding change: c.15446C>T on transcript NM_001374736.1 (MANE Select); coding-DNA position 15446, C replaced by T.
Protein change: p.Thr5149Ile; replaces threonine 5149 with isoleucine.
Molecular consequence: missense variant.
Genome position (GRCh38, 1-based): chr6:56,553,346, G>A on the plus strand (C>T on the coding strand, the complement: DST is on the minus strand). VCF-style: chr6-56553346-G-A. GRCh37 (hg19) VCF-style: chr6-56418144-G-A.
Other names: c.9089C>T, p.Thr3030Ile (NM_001144769.5); c.8675C>T, p.Thr2892Ile (NM_001144770.2); c.15446C>T, p.Thr5149Ile (NM_001374722.1); c.14813C>T, p.Thr4938Ile (NM_001374729.1); c.8555C>T, p.Thr2852Ile (NM_001374730.1, NM_183380.4); c.15473C>T, p.Thr5158Ile (NM_001374734.1); c.7577C>T, p.Thr2526Ile (NM_015548.5); short protein forms T4938I, T2526I, T2892I, T3030I, T5158I, T2852I, T5149I.
Identifiers: ClinVar variation 969806 (VCV000969806.9), dbSNP rs369194519, ClinGen allele CA3867817.